The following is an entry in ClinVar:

NM_003480.4(MFAP5):c.63G>T (p.Trp21Cys)

Gene: MFAP5 (microfibril associated protein 5; minus strand). Cytogenetic location: 12p13.31.
Variant type: single nucleotide variant.
Coding change: c.63G>T on transcript NM_003480.4 (MANE Select); coding-DNA position 63, G replaced by T.
Protein change: p.Trp21Cys; replaces tryptophan 21 with cysteine.
Molecular consequence: missense variant. On other transcripts: non-coding transcript variant (2), intron variant (1).
Genome position (GRCh38, 1-based): chr12:8,660,894, C>A on the plus strand (G>T on the coding strand, the complement: MFAP5 is on the minus strand). VCF-style: chr12-8660894-C-A. GRCh37 (hg19) VCF-style: chr12-8813490-C-A.
Other names: c.63G>T, p.Trp21Cys (NM_001297709.2, NM_001297711.2, NM_001297712.2); c.58+1153G>T (NM_001297710.2); short protein forms W21C.
Identifiers: ClinVar variation 1966445 (VCV001966445.5), dbSNP rs1942130652, ClinGen allele CA384039636.
Genomic context (GRCh38, chr12:8,660,894, plus strand): 5'-ACAGAGCCGCTATCCAAGGGTTCACCTACCTCCTCGTTGACTATTGACCCCCAGGGGTAT[C>A]CAGTCTATAGCAAAGGAAGAGAAAAGAGATGTGAGTGACTGCAGCTCTATACCTCGTAAC-3'
Protein context (NP_003471.1, residues 11-31): FLAAFIITSD[Trp21Cys]IPLGVNSQRG

ClinVar aggregate classification (germline): Uncertain significance (1 of 4 stars; one submission).

Submission:

Labcorp Genetics (formerly Invitae), Labcorp
Classification: Uncertain significance. Last evaluated: 2023-03-17. Review status: criteria provided, single submitter. Criteria: Invitae Variant Classification Sherloc (09022015). Collection method: clinical testing. Allele origin: germline.
Comment: An algorithm developed to predict the effect of missense changes on protein structure and function (PolyPhen-2) suggests that this variant is likely to be disruptive. ClinVar contains an entry for this variant (Variation ID: 1966445). This variant has not been reported in the literature in individuals affected with MFAP5-related conditions. This variant is not present in population databases (gnomAD no frequency). This sequence change replaces tryptophan, which is neutral and slightly polar, with cysteine, which is neutral and slightly polar, at codon 21 of the MFAP5 protein (p.Trp21Cys). Algorithms developed to predict the effect of sequence changes on RNA splicing suggest that this variant may disrupt the consensus splice site. In summary, the available evidence is currently insufficient to determine the role of this variant in disease. Therefore, it has been classified as a Variant of Uncertain Significance.